The following is an entry in ClinVar:

NM_002465.4(MYBPC1):c.608+14A>G

Gene: MYBPC1 (myosin binding protein C1; plus strand). Cytogenetic location: 12q23.2.
Variant type: single nucleotide variant.
Coding change: c.608+14A>G on transcript NM_002465.4 (MANE Select); 14 bases into the intron after coding-DNA position 608, A replaced by G.
Molecular consequence: intron variant.
Genome position (GRCh38, 1-based): chr12:101,634,619, A>G. VCF-style: chr12-101634619-A-G. GRCh37 (hg19) VCF-style: chr12-102028397-A-G.
Other names: c.608+14A>G (NM_206819.4, NM_001404675.1); c.533+14A>G (NM_001254718.3, NM_206820.4, NM_001254719.3 and 4 more transcripts); c.497+14A>G (NM_001254720.3); c.494+14A>G (NM_001254723.3); c.455+14A>G (NM_001254722.3, NM_001404680.1, NM_001404679.1 and 2 more transcripts).
Identifiers: ClinVar variation 306725 (VCV000306725.12), dbSNP rs4448745, ClinGen allele CA6744568.

ClinVar aggregate classification (germline): Benign/Likely benign. Review status: criteria provided, multiple submitters, no conflicts (2 of 4 stars). 4 submissions from 4 submitters: Benign (1); Likely benign (3). Last evaluated 2024-10-14.

Conditions:
Myopathy, congenital, with tremor. Also called: myogenic tremor; CONGENITAL MYOPATHY 16. Identifiers: MedGen C5231401, MONDO:0032797, OMIM 618524.
Arthrogryposis, distal, type 1B. Identifiers: Orphanet 1146, MedGen C3280526, MONDO:0013698, OMIM 614335.
Lethal congenital contracture syndrome 4 (LCCS4). Identifiers: MedGen C3554046, MONDO:0013965, OMIM 614915.

Allele frequency attached by ClinVar (database versions not stated): gnomAD exomes 0.00051 and 0.00137; ExAC 0.00186; gnomAD 0.00516 and 0.00545; ESP Exome Variant Server 0.00561; TOPMed 0.00598; 1000 Genomes Project 0.00639; 1000 Genomes Project 30x 0.00734.
gnomAD v4.1: 1,599 of 1,599,332 alleles (0.1%); highest among the groups gnomAD compares: African/African-American, 1.8%; 14 homozygotes.

Submissions (4):

Blueprint Genetics
Classification: Likely benign. Last evaluated: 2024-10-14. Review status: criteria provided, single submitter. Criteria: ACMG Guidelines, 2015. Collection method: clinical testing. Allele origin: germline.

Fulgent Genetics
Classification: Likely benign for Arthrogryposis, distal, type 1B; Lethal congenital contracture syndrome 4; Myopathy, congenital, with tremor. Last evaluated: 2022-05-17. Review status: criteria provided, single submitter. Criteria: ACMG Guidelines, 2015. Collection method: clinical testing. Allele origin: unknown.

GeneDx
Classification: Likely benign. Last evaluated: 2020-04-28. Review status: criteria provided, single submitter. Criteria: GeneDx Variant Classification Process June 2021. Collection method: clinical testing. Allele origin: germline. Affected: yes.

Illumina Laboratory Services, Illumina
Classification: Benign for Arthrogryposis, distal, type 1B. Last evaluated: 2018-01-12. Review status: criteria provided, single submitter. Criteria: ICSL Variant Classification Criteria 13 December 2019. Collection method: clinical testing. Allele origin: germline.
Comment: This variant was observed in the ICSL laboratory as part of a predisposition screen in an ostensibly healthy population. It had not been previously curated by ICSL or reported in the Human Gene Mutation Database (HGMD: prior to June 1st, 2018), and was therefore a candidate for classification through an automated scoring system. Utilizing variant allele frequency, disease prevalence and penetrance estimates, and inheritance mode, an automated score was calculated to assess if this variant is too frequent to cause the disease. Based on the score and internal cut-off values, a variant classified as benign is not then subjected to further curation. The score for this variant resulted in a classification of benign for this disease.